The following is an entry in ClinVar:

ClinVar aggregate classification (germline): Benign (1 of 4 stars; one submission).

Conditions:
Intellectual developmental disorder, X-linked 93. Also called: MENTAL RETARDATION, X-LINKED, WITH MACROCEPHALY; Intellectual disability, X-linked 93. Identifiers: MedGen C1970841, MONDO:0010393, OMIM 300659.

Allele frequency attached by ClinVar (database versions not stated): TOPMed 0.00108; gnomAD 0.00330 and 0.00335; 1000 Genomes Project 30x 0.00271; 1000 Genomes Project 0.00238.

Submission:

Illumina Laboratory Services, Illumina
Classification: Benign for Intellectual developmental disorder, X-linked 93. Last evaluated: 2018-01-13. Review status: criteria provided, single submitter. Criteria: ICSL Variant Classification Criteria 13 December 2019. Collection method: clinical testing. Allele origin: germline.
Comment: This variant was observed in the ICSL laboratory as part of a predisposition screen in an ostensibly healthy population. It had not been previously curated by ICSL or reported in the Human Gene Mutation Database (HGMD: prior to June 1st, 2018), and was therefore a candidate for classification through an automated scoring system. Utilizing variant allele frequency, disease prevalence and penetrance estimates, and inheritance mode, an automated score was calculated to assess if this variant is too frequent to cause the disease. Based on the score and internal cut-off values, a variant classified as benign is not then subjected to further curation. The score for this variant resulted in a classification of benign for this disease.

NM_153252.5(BRWD3):c.*5133G>T

Gene: BRWD3 (bromodomain and WD repeat domain containing 3; minus strand). Cytogenetic location: Xq21.1.
Variant type: single nucleotide variant.
Coding change: c.*5133G>T on transcript NM_153252.5 (MANE Select); 5133 bases downstream of the stop codon, G replaced by T.
Molecular consequence: 3 prime UTR variant.
Genome position (GRCh38, 1-based): chrX:80,671,476, C>A on the plus strand (G>T on the coding strand, the complement: BRWD3 is on the minus strand). VCF-style: chrX-80671476-C-A. GRCh37 (hg19) VCF-style: chrX-79926975-C-A.
Identifiers: ClinVar variation 368694 (VCV000368694.5), dbSNP rs41307391, ClinGen allele CA10646400.
Genomic context (GRCh38, chrX:80,671,476, plus strand): 5'-AAAGAAACAAGAAAGACCTAAGAGTTACATGTTACAATCTCTAAAGCTGAATAGGTAACT[C>A]CATATTTCTTTCTTCTGGTTAATTTTTCTCTGGTACATAAATTAAGGCATAAAGCAGCAA-3'